The following is an entry in ClinVar:

ClinVar aggregate classification (germline): Conflicting classifications of pathogenicity. Review status: criteria provided, conflicting classifications (1 of 4 stars). 2 submissions from 2 submitters: Uncertain significance (1); Likely benign (1). Last evaluated 2025-09-03.

Conditions:
Idiopathic generalized epilepsy. Also called: Generalised epilepsy; EIG. Identifiers: MedGen C0270850, MONDO:0005579, OMIM 600669.
Hyperaldosteronism, familial, type IV (HALD4). Also called: FH IV; ALDOSTERONISM, PRIMARY, AND HYPERTENSION. Identifiers: Orphanet 642671, MedGen C4310756, MONDO:0014875, OMIM 617027.

Allele frequency attached by ClinVar (database versions not stated): gnomAD exomes 0.00002; ExAC 0.00003; TOPMed below 0.00001.
gnomAD v4.1: 11 of 1,560,248 alleles (0.00071%); highest among the groups gnomAD compares: South Asian, 0.0058%; no homozygotes.

Submissions (2):

Labcorp Genetics (formerly Invitae), Labcorp
Classification: Likely benign for Idiopathic generalized epilepsy; Hyperaldosteronism, familial, type IV. Last evaluated: 2025-09-03. Review status: criteria provided, single submitter. Criteria: Invitae Variant Classification Sherloc (09022015). Collection method: clinical testing. Allele origin: germline.

GeneDx
Classification: Uncertain significance. Last evaluated: 2022-02-12. Review status: criteria provided, single submitter. Criteria: GeneDx Variant Classification Process June 2021. Collection method: clinical testing. Allele origin: germline. Affected: yes.
Comment: Has not been previously published as pathogenic or benign to our knowledge; In silico analysis supports that this missense variant does not alter protein structure/function

NM_021098.3(CACNA1H):c.6382G>A (p.Gly2128Ser)

Gene: CACNA1H (calcium voltage-gated channel subunit alpha1 H; plus strand). Cytogenetic location: 16p13.3.
Variant type: single nucleotide variant.
Coding change: c.6382G>A on transcript NM_021098.3 (MANE Select); coding-DNA position 6382, G replaced by A.
Protein change: p.Gly2128Ser; replaces glycine 2128 with serine.
Molecular consequence: missense variant.
Genome position (GRCh38, 1-based): chr16:1,220,314, G>A. VCF-style: chr16-1220314-G-A. GRCh37 (hg19) VCF-style: chr16-1270314-G-A.
Other names: c.6364G>A, p.Gly2122Ser (NM_001005407.2); short protein forms G2122S, G2128S.
Identifiers: ClinVar variation 1510611 (VCV001510611.8), dbSNP rs748564400, ClinGen allele CA7802338.